The following is an entry in ClinVar:

ClinVar aggregate classification (germline): Uncertain significance (1 of 4 stars; one submission).

Conditions:
Hypertrophic cardiomyopathy. Also called: HYPERTROPHIC MYOCARDIOPATHY. Identifiers: Orphanet 217569, MedGen C0007194, MeSH D002312, MONDO:0005045, HP:0001639.

Submission:

All of Us Research Program, National Institutes of Health
Classification: Uncertain significance for Hypertrophic cardiomyopathy. Last evaluated: 2023-08-15. Review status: criteria provided, single submitter. Criteria: ACMG Guidelines, 2015. Collection method: clinical testing. Allele origin: germline. Inheritance: Autosomal dominant inheritance. Observed: 1 variant allele, 1 heterozygote.
Comment: This study involves interpretation of variants in research participants for the purpose of population health screening. Participant phenotype was not available at the time of variant classification. Additional details can be found in publication PMID: 35346344, PMCID: PMC8962531

NM_016203.4(PRKAG2):c.1195C>T (p.Leu399Phe)

Gene: PRKAG2 (protein kinase AMP-activated non-catalytic subunit gamma 2; minus strand). Cytogenetic location: 7q36.1.
Variant type: single nucleotide variant.
Coding change: c.1195C>T on transcript NM_016203.4 (MANE Select); coding-DNA position 1195, C replaced by T.
Protein change: p.Leu399Phe; replaces leucine 399 with phenylalanine.
Molecular consequence: missense variant.
Genome position (GRCh38, 1-based): chr7:151,568,754, G>A on the plus strand (C>T on the coding strand, the complement: PRKAG2 is on the minus strand). VCF-style: chr7-151568754-G-A. GRCh37 (hg19) VCF-style: chr7-151265840-G-A.
Other names: c.1063C>T, p.Leu355Phe (NM_001040633.2, NM_001407024.1); c.820C>T, p.Leu274Phe (NM_001304527.2, NM_001407029.1); c.472C>T, p.Leu158Phe (NM_001304531.2, NM_001407034.1, NM_001407035.1 and 1 more transcripts); c.823C>T, p.Leu275Phe (NM_001363698.2, NM_001407028.1); c.1195C>T, p.Leu399Phe (NM_001407021.1); c.1192C>T, p.Leu398Phe (NM_001407022.1, NM_001407023.1); c.1060C>T, p.Leu354Phe (NM_001407026.1, NM_001407027.1); c.907C>T, p.Leu303Phe (NM_001407030.1); and 6 more; short protein forms L157F, L158F, L174F, L178F, L274F, L275F, L291F, L293F.
Identifiers: ClinVar variation 3072615 (VCV003072615.1), dbSNP rs2536328132, ClinGen allele CA370071486.